The following is an entry in ClinVar:

NM_021620.4(PRDM13):c.1528G>A (p.Ala510Thr)

Gene: PRDM13 (PR/SET domain 13; plus strand). Cytogenetic location: 6q16.2.
Variant type: single nucleotide variant.
Coding change: c.1528G>A on transcript NM_021620.4 (MANE Select); coding-DNA position 1528, G replaced by A.
Protein change: p.Ala510Thr; replaces alanine 510 with threonine.
Molecular consequence: missense variant.
Genome position (GRCh38, 1-based): chr6:99,614,163, G>A. VCF-style: chr6-99614163-G-A. GRCh37 (hg19) VCF-style: chr6-100062039-G-A.
Other names: short protein forms A510T.
Identifiers: ClinVar variation 841286 (VCV000841286.10), dbSNP rs1212085337, ClinGen allele CA365119737.

ClinVar aggregate classification (germline): Uncertain significance. Review status: criteria provided, multiple submitters, no conflicts (2 of 4 stars). 2 submissions from 2 submitters: Uncertain significance (2). Last evaluated 2025-06-20.

Conditions:
Inborn genetic diseases. Identifiers: MedGen C0950123, MeSH D030342.

Allele frequency attached by ClinVar (database versions not stated): gnomAD 0.00001; TOPMed 0.00004.
gnomAD v4.1: 7 of 1,600,816 alleles (0.00044%); highest among the groups gnomAD compares: African/African-American, 0.0067%; no homozygotes.

Submissions (2):

Labcorp Genetics (formerly Invitae), Labcorp
Classification: Uncertain significance. Last evaluated: 2025-06-20. Review status: criteria provided, single submitter. Criteria: Invitae Variant Classification Sherloc (09022015). Collection method: clinical testing. Allele origin: germline.
Comment: This sequence change replaces alanine, which is neutral and non-polar, with threonine, which is neutral and polar, at codon 510 of the PRDM13 protein (p.Ala510Thr). The frequency data for this variant in the population databases is considered unreliable, as metrics indicate poor data quality at this position in the gnomAD database. This variant has not been reported in the literature in individuals affected with PRDM13-related conditions. ClinVar contains an entry for this variant (Variation ID: 841286). An algorithm developed to predict the effect of missense changes on protein structure and function outputs the following: PolyPhen-2: "Benign". The threonine amino acid residue is found in multiple mammalian species, which suggests that this missense change does not adversely affect protein function. In summary, the available evidence is currently insufficient to determine the role of this variant in disease. Therefore, it has been classified as a Variant of Uncertain Significance.

Ambry Genetics
Classification: Uncertain significance for Inborn genetic diseases. Last evaluated: 2024-09-10. Review status: criteria provided, single submitter. Criteria: Ambry Variant Classification Scheme 2023. Collection method: clinical testing. Allele origin: germline.